The following is an entry in ClinVar:

ClinVar aggregate classification (germline): Benign/Likely benign. Review status: criteria provided, multiple submitters, no conflicts (2 of 4 stars). 4 submissions from 4 submitters: Benign (2); Likely benign (1). 1 of the submissions does not count toward it. Last evaluated 2024-11-25.

Conditions:
SPTBN4-related disorder. Also called: SPTBN4-related condition.

Allele frequency attached by ClinVar (database versions not stated): gnomAD exomes 0.00042 and 0.00105; ExAC 0.00132; 1000 Genomes Project 0.00399; gnomAD 0.00413 and 0.00444; TOPMed 0.00447; ESP Exome Variant Server 0.00461; 1000 Genomes Project 30x 0.00515.
gnomAD v4.1: 1,247 of 1,613,054 alleles (0.077%); highest among the groups gnomAD compares: African/African-American, 1.5%; 9 homozygotes.

Submissions (4):

Blueprint Genetics
Classification: Likely benign. Last evaluated: 2024-11-25. Review status: criteria provided, single submitter. Criteria: ACMG Guidelines, 2015. Collection method: clinical testing. Allele origin: germline.

Labcorp Genetics (formerly Invitae), Labcorp
Classification: Benign. Last evaluated: 2019-12-31. Review status: criteria provided, single submitter. Criteria: Invitae Variant Classification Sherloc (09022015). Collection method: clinical testing. Allele origin: germline.

Breakthrough Genomics
Classification: Benign. Review status: criteria provided, single submitter. Criteria: ACMG Guidelines, 2015. Collection method: not provided. Allele origin: germline. Inheritance: Autosomal recessive inheritance. Affected: yes.

PreventionGenetics, part of Exact Sciences
Classification: Benign for SPTBN4-related condition. Last evaluated: 2019-07-11. Review status: no assertion criteria provided. Collection method: clinical testing. Allele origin: germline. Not counted in ClinVar's aggregate classification.
Comment: This variant is classified as benign based on ACMG/AMP sequence variant interpretation guidelines (Richards et al. 2015 PMID: 25741868, with internal and published modifications).

NM_020971.3(SPTBN4):c.7391C>G (p.Ala2464Gly)

Gene: SPTBN4 (spectrin beta, non-erythrocytic 4; plus strand). Cytogenetic location: 19q13.2.
Variant type: single nucleotide variant.
Coding change: c.7391C>G on transcript NM_020971.3 (MANE Select); coding-DNA position 7391, C replaced by G.
Protein change: p.Ala2464Gly; replaces alanine 2464 with glycine.
Molecular consequence: missense variant.
Genome position (GRCh38, 1-based): chr19:40,572,090, C>G. VCF-style: chr19-40572090-C-G. GRCh37 (hg19) VCF-style: chr19-41077996-C-G.
Other names: short protein forms A2464G.
Identifiers: ClinVar variation 788619 (VCV000788619.8), dbSNP rs75257211, ClinGen allele CA9446961.